The following is an entry in ClinVar:

ClinVar aggregate classification (germline): Uncertain significance. Review status: criteria provided, multiple submitters, no conflicts (2 of 4 stars). 6 submissions from 6 submitters: Uncertain significance (6). Last evaluated 2025-09-10.

Conditions:
MARS1-related disorder. Also called: MARS1-related condition.
Charcot-Marie-Tooth disease axonal type 2U. Also called: CHARCOT-MARIE-TOOTH DISEASE, AXONAL, AUTOSOMAL DOMINANT, TYPE 2U; CHARCOT-MARIE-TOOTH NEUROPATHY, TYPE 2U. Identifiers: Orphanet 397735, MedGen C4084821, MONDO:0014566, OMIM 616280.
Severe early-onset pulmonary alveolar proteinosis due to MARS deficiency. Also called: PULMONARY ALVEOLAR PROTEINOSIS, REUNION ISLAND; Interstitial lung and liver disease. Identifiers: Orphanet 440427, MedGen C4225400, MONDO:0014206, OMIM 615486.
Charcot-Marie-Tooth disease. Also called: Charcot-Marie-Tooth Neuropathy; Charcot-Marie-Tooth Hereditary Neuropathy. Identifiers: Orphanet 166, MedGen C0007959, MONDO:0015626.

Allele frequency attached by ClinVar (database versions not stated): gnomAD 0.00002; gnomAD exomes 0.00002 and 0.00006; TOPMed 0.00003.
gnomAD v4.1: 97 of 1,613,942 alleles (0.006%); highest among the groups gnomAD compares: South Asian, 0.0077%; no homozygotes.

Submissions (6):

Labcorp Genetics (formerly Invitae), Labcorp
Classification: Uncertain significance for Charcot-Marie-Tooth disease axonal type 2U; Severe early-onset pulmonary alveolar proteinosis due to MARS deficiency. Last evaluated: 2025-09-10. Review status: criteria provided, single submitter. Criteria: Invitae Variant Classification Sherloc (09022015). Collection method: clinical testing. Allele origin: germline.
Comment: This sequence change replaces arginine, which is basic and polar, with cysteine, which is neutral and slightly polar, at codon 394 of the MARS protein (p.Arg394Cys). This variant is present in population databases (no rsID available, gnomAD 0.01%). This variant has not been reported in the literature in individuals affected with MARS-related conditions. ClinVar contains an entry for this variant (Variation ID: 432403). An algorithm developed to predict the effect of missense changes on protein structure and function (PolyPhen-2) suggests that this variant is likely to be disruptive. In summary, the available evidence is currently insufficient to determine the role of this variant in disease. Therefore, it has been classified as a Variant of Uncertain Significance.

Ambry Genetics
Classification: Uncertain significance. Last evaluated: 2025-04-30. Review status: criteria provided, single submitter. Criteria: Ambry Variant Classification Scheme 2023. Collection method: clinical testing. Allele origin: germline.

PreventionGenetics, part of Exact Sciences
Classification: Uncertain significance for MARS1-related condition. Last evaluated: 2025-02-28. Review status: criteria provided, single submitter. Criteria: ACMG Guidelines, 2015. Collection method: clinical testing. Allele origin: germline.
Comment: The MARS1 c.1180C>T variant is predicted to result in the amino acid substitution p.Arg394Cys. To our knowledge, this variant has not been reported in the literature. This variant is reported in 0.0098% of alleles in individuals of South Asian descent in gnomAD. At this time, the clinical significance of this variant is uncertain due to the absence of conclusive functional and genetic evidence.

ARUP Laboratories, Molecular Genetics and Genomics, ARUP Laboratories
Classification: Uncertain significance. Last evaluated: 2023-12-12. Review status: criteria provided, single submitter. Criteria: ARUP Molecular Germline Variant Investigation Process 2024. Collection method: clinical testing. Allele origin: germline.
Comment: The MARS1 c.1180C>T; p.Arg394Cys variant (rs916967743), to our knowledge, is not reported in the medical literature but is reported in ClinVar (Variation ID: 432403). This variant is found in the general population with an overall allele frequency of 0.002% (6/251490 alleles) in the Genome Aggregation Database (v2.1.1). Computational analyses are uncertain whether this variant is neutral or deleterious (REVEL: 0.51). Due to limited information, the clinical significance of the p.Arg394Cys variant is uncertain at this time.

GeneDx
Classification: Uncertain significance. Last evaluated: 2022-10-15. Review status: criteria provided, single submitter. Criteria: GeneDx Variant Classification Process June 2021. Collection method: clinical testing. Allele origin: germline. Affected: yes.
Comment: In silico analysis supports that this missense variant has a deleterious effect on protein structure/function; Has not been previously published as pathogenic or benign to our knowledge

Molecular Genetics Laboratory, London Health Sciences Centre
Classification: Uncertain significance for Charcot-Marie-Tooth disease. Review status: criteria provided, single submitter. Criteria: ACMG Guidelines, 2015. Collection method: clinical testing. Allele origin: germline. Affected: yes.

NM_004990.4(MARS1):c.1180C>T (p.Arg394Cys)

Gene: MARS1 (methionyl-tRNA synthetase 1; plus strand). Cytogenetic location: 12q13.3.
Variant type: single nucleotide variant.
Coding change: c.1180C>T on transcript NM_004990.4 (MANE Select); coding-DNA position 1180, C replaced by T.
Protein change: p.Arg394Cys; replaces arginine 394 with cysteine.
Molecular consequence: missense variant.
Genome position (GRCh38, 1-based): chr12:57,500,409, C>T. VCF-style: chr12-57500409-C-T. GRCh37 (hg19) VCF-style: chr12-57894192-C-T.
Other names: short protein forms R394C.
Identifiers: ClinVar variation 432403 (VCV000432403.12), dbSNP rs916967743, ClinGen allele CA237758672.